The following is an entry in ClinVar:

NM_001658.4(ARF1):c.300G>A (p.Val100=)

Genes: ARF1 (ARF GTPase 1; plus strand), LOC126806039 (CDK7 strongly-dependent group 2 enhancer GRCh37_chr1:228284937-228286136; plus strand). Cytogenetic location: 1q42.13.
Variant type: single nucleotide variant.
Coding change: c.300G>A on transcript NM_001658.4 (MANE Select); coding-DNA position 300, G replaced by A.
Protein change: p.Val100=; no amino-acid change (valine 100 retained).
Molecular consequence: synonymous variant.
Genome position (GRCh38, 1-based): chr1:228,097,631, G>A. VCF-style: chr1-228097631-G-A. GRCh37 (hg19) VCF-style: chr1-228285332-G-A.
Other names: c.300G>A, p.Val100= (NM_001024226.2, NM_001024227.1, NM_001024228.2).
Identifiers: ClinVar variation 3040638 (VCV003040638.3), dbSNP rs147354087, ClinGen allele CA1429729.
Genomic context (GRCh38, chr1:228,097,631, plus strand): 5'-TGACACTGGCTGCCCGGCAGGCCTGATCTTCGTGGTGGACAGCAATGACAGAGAGCGTGT[G>A]AACGAGGCCCGTGAGGAGCTCATGAGGATGCTGGCCGAGGACGAGCTCCGGGATGCTGTC-3'
Protein context (NP_001649.1, residues 90-110): FVVDSNDRER[Val100=]NEAREELMRM

ClinVar aggregate classification (germline): Likely benign. Review status: criteria provided, single submitter (1 of 4 stars). 2 submissions from 2 submitters: Likely benign (1). 1 of the submissions does not count toward it. Last evaluated 2026-09-01.

Conditions:
ARF1-related disorder. Also called: ARF1-related condition.

Allele frequency attached by ClinVar (database versions not stated): gnomAD exomes 0.00020; ExAC 0.00066; ESP Exome Variant Server 0.00215; 1000 Genomes Project 0.00220; 1000 Genomes Project 30x 0.00234; TOPMed 0.00289.
gnomAD v4.1: 682 of 1,614,166 alleles (0.042%); highest among the groups gnomAD compares: African/African-American, 0.82%; 1 homozygote.

Submissions (2):

CeGaT Center for Human Genetics Tuebingen
Classification: Likely benign. Last evaluated: 2026-09-01. Review status: criteria provided, single submitter. Criteria: CeGaT Center For Human Genetics Tuebingen Variant Classification Criteria Version 2. Collection method: clinical testing. Allele origin: germline. Affected: yes. Observed: 1 variant allele.
Comment: ARF1: BP4, BP7

PreventionGenetics, part of Exact Sciences
Classification: Benign for ARF1-related condition. Last evaluated: 2024-03-29. Review status: no assertion criteria provided. Collection method: clinical testing. Allele origin: germline. Not counted in ClinVar's aggregate classification.
Comment: This variant is classified as benign based on ACMG/AMP sequence variant interpretation guidelines (Richards et al. 2015 PMID: 25741868, with internal and published modifications).